The following is an entry in ClinVar:

ClinVar aggregate classification (germline): Benign/Likely benign. Review status: criteria provided, multiple submitters, no conflicts (2 of 4 stars). 5 submissions from 5 submitters: Benign (1); Likely benign (4). Last evaluated 2025-09-18.

Conditions:
Tuberous sclerosis syndrome (TSC). Also called: Tuberous Sclerosis Complex; Tuberous sclerosis. Identifiers: Orphanet 805, MedGen C0041341, MONDO:0001734.
Hereditary cancer-predisposing syndrome. Also called: Hereditary Cancer Syndrome; Neoplastic Syndromes, Hereditary; Tumor predisposition; Hereditary neoplastic syndrome. Identifiers: Orphanet 140162, MedGen C0027672, MeSH D009386, MONDO:0015356.
Tuberous sclerosis 2 (TSC2). Identifiers: Orphanet 805, MedGen C1860707, MONDO:0013199, OMIM 613254.

gnomAD v4.1: 9 of 1,612,972 alleles (0.00056%); highest among the groups gnomAD compares: South Asian, 0.0099%; no homozygotes.

Submissions (5):

Color Diagnostics, LLC DBA Color Health
Classification: Likely benign for Tuberous sclerosis syndrome. Last evaluated: 2025-09-18. Review status: criteria provided, single submitter. Criteria: ACMG Guidelines, 2015. Collection method: clinical testing. Allele origin: germline.

Ambry Genetics
Classification: Likely benign for Hereditary cancer-predisposing syndrome. Last evaluated: 2025-07-16. Review status: criteria provided, single submitter. Criteria: Ambry Variant Classification Scheme 2023. Collection method: clinical testing. Allele origin: germline.

Myriad Genetics, Inc.
Classification: Benign for Tuberous sclerosis 2. Last evaluated: 2025-05-27. Review status: criteria provided, single submitter. Criteria: Myriad Autosomal Dominant, Autosomal Recessive and X-Linked Classification Criteria (2023). Collection method: clinical testing. Allele origin: unknown.
Comment: This variant is considered benign. This variant is a silent/synonymous amino acid change and it is not expected to impact splicing.

Labcorp Genetics (formerly Invitae), Labcorp
Classification: Likely benign for Tuberous sclerosis 2. Last evaluated: 2025-02-11. Review status: criteria provided, single submitter. Criteria: Invitae Variant Classification Sherloc (09022015). Collection method: clinical testing. Allele origin: germline.

Blueprint Genetics
Classification: Likely benign. Last evaluated: 2021-09-15. Review status: criteria provided, single submitter. Criteria: ACMG Guidelines, 2015. Collection method: clinical testing. Allele origin: germline.

NM_000548.5(TSC2):c.3003G>A (p.Gly1001=)

Gene: TSC2 (TSC complex subunit 2; plus strand). Cytogenetic location: 16p13.3.
Variant type: single nucleotide variant.
Coding change: c.3003G>A on transcript NM_000548.5 (MANE Select); coding-DNA position 3003, G replaced by A.
Protein change: p.Gly1001=; no amino-acid change (glycine 1001 retained).
Molecular consequence: synonymous variant.
Genome position (GRCh38, 1-based): chr16:2,079,068, G>A. VCF-style: chr16-2079068-G-A. GRCh37 (hg19) VCF-style: chr16-2129069-G-A.
Other names: c.3003G>A (NM_000548.3); c.2871G>A, p.Gly957= (NM_001077183.3, NM_001370404.1); c.3003G>A, p.Gly1001= (NM_001114382.3); c.2763G>A, p.Gly921= (NM_001318827.2); c.2727G>A, p.Gly909= (NM_001318829.2); c.2271G>A, p.Gly757= (NM_001318831.2); c.2904G>A, p.Gly968= (NM_001318832.2); c.2874G>A, p.Gly958= (NM_001363528.2, NM_001370405.1, NM_021055.3).
Identifiers: ClinVar variation 1112947 (VCV001112947.12), dbSNP rs768864105, ClinGen allele CA043782.